The following is an entry in ClinVar:

ClinVar aggregate classification (germline): Uncertain significance. Review status: criteria provided, multiple submitters, no conflicts (2 of 4 stars). 2 submissions from 2 submitters: Uncertain significance (2). Last evaluated 2019-08-07.

Allele frequency attached by ClinVar (database versions not stated): gnomAD below 0.00001 and 0.00001; gnomAD exomes 0.00001 and 0.00003; ExAC 0.00018.
gnomAD v4.1: 21 of 1,550,596 alleles (0.0014%); highest among the groups gnomAD compares: South Asian, 0.02%; no homozygotes.

Submissions (2):

GeneDx
Classification: Uncertain significance. Last evaluated: 2019-08-07. Review status: criteria provided, single submitter. Criteria: GeneDx Variant Classification Process June 2021. Collection method: clinical testing. Allele origin: germline. Affected: yes.
Comment: In silico analysis, which includes protein predictors and evolutionary conservation, supports a deleterious effect; Has not been previously published as pathogenic or benign to our knowledge

Laboratory for Molecular Medicine, Mass General Brigham Personalized Medicine
Classification: Uncertain significance. Last evaluated: 2016-04-07. Review status: criteria provided, single submitter. Criteria: LMM Criteria. Collection method: clinical testing. Allele origin: germline. Observed: 1 variant allele.
Comment: The p.Pro325Leu variant in OTOG has not been previously reported in individuals with hearing loss. This variant has been identified in 3/7664 South Asian chromo somes by the Exome Aggregation Consortium (ExAC; dbSNP rs767555421). Although this variant has been seen in the general populati on, its frequency is not high enough to rule out a pathogenic role. Computationa l prediction tools and conservation analyses suggest that the p.Pro325Leu varian t may not impact the protein, though this information is not predictive enough t o rule out pathogenicity. In summary, the clinical significance of the p.Pro325L eu variant is uncertain.

NM_001292063.2(OTOG):c.938C>T (p.Pro313Leu)

Gene: OTOG (otogelin; plus strand). Cytogenetic location: 11p15.1.
Variant type: single nucleotide variant.
Coding change: c.938C>T on transcript NM_001292063.2 (MANE Select); coding-DNA position 938, C replaced by T.
Protein change: p.Pro313Leu; replaces proline 313 with leucine.
Molecular consequence: missense variant.
Genome position (GRCh38, 1-based): chr11:17,558,257, C>T. VCF-style: chr11-17558257-C-T. GRCh37 (hg19) VCF-style: chr11-17579804-C-T.
Other names: c.974C>T, p.Pro325Leu (NM_001277269.2); short protein forms P325L, P313L.
Identifiers: ClinVar variation 229110 (VCV000229110.7), dbSNP rs767555421, ClinGen allele CA5905422.